The following is an entry in ClinVar:

ClinVar aggregate classification (germline): Uncertain significance (0 of 4 stars; one submission).

Conditions:
DNAH1-related disorder. Also called: DNAH1-related condition.

gnomAD v4.1: 10 of 1,612,218 alleles (0.00062%); highest among the groups gnomAD compares: Non-Finnish European, 0.00076%; no homozygotes.

Submission:

PreventionGenetics, part of Exact Sciences
Classification: Uncertain significance for DNAH1-related condition. Last evaluated: 2024-05-24. Review status: no assertion criteria provided. Collection method: clinical testing. Allele origin: germline.
Comment: The DNAH1 c.7176A>C variant is predicted to result in the amino acid substitution p.Glu2392Asp. To our knowledge, this variant has not been reported in the literature. This variant is reported in 0.00089% of alleles in individuals of European (Non-Finnish) descent in gnomAD. At this time, the clinical significance of this variant is uncertain due to the absence of conclusive functional and genetic evidence.

NM_015512.5(DNAH1):c.7176A>C (p.Glu2392Asp)

Gene: DNAH1 (dynein axonemal heavy chain 1; plus strand). Cytogenetic location: 3p21.1.
Variant type: single nucleotide variant.
Coding change: c.7176A>C on transcript NM_015512.5 (MANE Select); coding-DNA position 7176, A replaced by C.
Protein change: p.Glu2392Asp; replaces glutamic acid 2392 with aspartic acid.
Molecular consequence: missense variant.
Genome position (GRCh38, 1-based): chr3:52,375,971, A>C. VCF-style: chr3-52375971-A-C. GRCh37 (hg19) VCF-style: chr3-52409987-A-C.
Other names: short protein forms E2392D.
Identifiers: ClinVar variation 3355781 (VCV003355781.1).